The following is an entry in ClinVar:

ClinVar aggregate classification (germline): Benign. Review status: criteria provided, multiple submitters, no conflicts (2 of 4 stars). 4 submissions from 3 submitters: Benign (4). Last evaluated 2026-01-19.

Conditions:
Atrichia with papular lesions (APL). Also called: PAPULAR ATRICHIA. Identifiers: Orphanet 86819, MedGen C1859592, MONDO:0008847, OMIM 209500.
Alopecia universalis congenita (ALUNC). Also called: ATRICHIA, GENERALIZED. Identifiers: Orphanet 701, MedGen C1859877, MONDO:0008757, OMIM 203655.

Allele frequency attached by ClinVar (database versions not stated): gnomAD 0.00264 and 0.00308; ESP Exome Variant Server 0.00265; TOPMed 0.00313; gnomAD exomes 0.00522; 1000 Genomes Project 30x 0.00531; 1000 Genomes Project 0.00619; ExAC 0.00927.

Submissions (4):

Labcorp Genetics (formerly Invitae), Labcorp
Classification: Benign. Last evaluated: 2026-01-19. Review status: criteria provided, single submitter. Criteria: Invitae Variant Classification Sherloc (09022015). Collection method: clinical testing. Allele origin: germline.

Illumina Laboratory Services, Illumina
Classification: Benign for Atrichia with papular lesions. Last evaluated: 2018-01-13. Review status: criteria provided, single submitter. Criteria: ICSL Variant Classification Criteria 13 December 2019. Collection method: clinical testing. Allele origin: germline.
Comment: This variant was observed in the ICSL laboratory as part of a predisposition screen in an ostensibly healthy population. It had not been previously curated by ICSL or reported in the Human Gene Mutation Database (HGMD: prior to June 1st, 2018), and was therefore a candidate for classification through an automated scoring system. Utilizing variant allele frequency, disease prevalence and penetrance estimates, and inheritance mode, an automated score was calculated to assess if this variant is too frequent to cause the disease. Based on the score and internal cut-off values, a variant classified as benign is not then subjected to further curation. The score for this variant resulted in a classification of benign for this disease.

Illumina Laboratory Services, Illumina
Classification: Benign for Alopecia universalis congenita. Last evaluated: 2018-01-13. Review status: criteria provided, single submitter. Criteria: ICSL Variant Classification Criteria 13 December 2019. Collection method: clinical testing. Allele origin: germline.
Comment: the same text as in the submission from Illumina Laboratory Services, Illumina above.

Breakthrough Genomics
Classification: Benign. Review status: criteria provided, single submitter. Criteria: ACMG Guidelines, 2015. Collection method: not provided. Allele origin: germline. Inheritance: Autosomal recessive inheritance. Affected: yes.

NM_005144.5(HR):c.1956C>T (p.Ala652=)

Gene: HR (HR lysine demethylase and nuclear receptor corepressor; minus strand). Cytogenetic location: 8p21.3.
Variant type: single nucleotide variant.
Coding change: c.1956C>T on transcript NM_005144.5 (MANE Select); coding-DNA position 1956, C replaced by T.
Protein change: p.Ala652=; no amino-acid change (alanine 652 retained).
Molecular consequence: synonymous variant.
Genome position (GRCh38, 1-based): chr8:22,122,839, G>A on the plus strand (C>T on the coding strand, the complement: HR is on the minus strand). VCF-style: chr8-22122839-G-A. GRCh37 (hg19) VCF-style: chr8-21980352-G-A.
Other names: c.1956C>T, p.Ala652= (NM_018411.4).
Identifiers: ClinVar variation 909985 (VCV000909985.9), dbSNP rs78939934, ClinGen allele CA4662295.